The following is an entry in ClinVar:

ClinVar aggregate classification (germline): Uncertain significance (1 of 4 stars; one submission).

Conditions:
Perlman syndrome (PRLMNS). Identifiers: Orphanet 2849, MedGen C0796113, MONDO:0009965, OMIM 267000.

gnomAD v4.1: 1 of 1,610,414 alleles (0.000062%); no homozygotes.

Submission:

Labcorp Genetics (formerly Invitae), Labcorp
Classification: Uncertain significance for Perlman syndrome. Last evaluated: 2025-01-29. Review status: criteria provided, single submitter. Criteria: Invitae Variant Classification Sherloc (09022015). Collection method: clinical testing. Allele origin: germline.
Comment: This sequence change replaces glycine, which is neutral and non-polar, with serine, which is neutral and polar, at codon 776 of the DIS3L2 protein (p.Gly776Ser). This variant is not present in population databases (gnomAD no frequency). This variant has not been reported in the literature in individuals affected with DIS3L2-related conditions. Invitae Evidence Modeling of protein sequence and biophysical properties (such as structural, functional, and spatial information, amino acid conservation, physicochemical variation, residue mobility, and thermodynamic stability) indicates that this missense variant is not expected to disrupt DIS3L2 protein function with a negative predictive value of 80%. In summary, the available evidence is currently insufficient to determine the role of this variant in disease. Therefore, it has been classified as a Variant of Uncertain Significance.

NM_152383.5(DIS3L2):c.2326G>A (p.Gly776Ser)

Gene: DIS3L2 (DIS3 like 3'-5' exoribonuclease 2; plus strand). Cytogenetic location: 2q37.1.
Variant type: single nucleotide variant.
Coding change: c.2326G>A on transcript NM_152383.5 (MANE Select); coding-DNA position 2326, G replaced by A.
Protein change: p.Gly776Ser; replaces glycine 776 with serine.
Molecular consequence: missense variant. On other transcripts: non-coding transcript variant (2), intron variant (1).
Genome position (GRCh38, 1-based): chr2:232,334,667, G>A. VCF-style: chr2-232334667-G-A. GRCh37 (hg19) VCF-style: chr2-233199377-G-A.
Other names: c.1582-8678G>A (NM_001257281.2); short protein forms G776S.
Identifiers: ClinVar variation 4744189 (VCV004744189.1).
Genomic context (GRCh38, chr2:232,334,667, plus strand): 5'-ATGGCTGCAGCACTGTCCCTGCAGGAGAGTGGCCCCCTGGAGTCAGAAGCCATGGTGATG[G>A]GCATCCTGAAGCAAGCCTTCGACGTGCTGGTGCTGCGCTACGGCGTGCAGAAGCGCATCT-3'
Protein context (NP_689596.4, residues 766-786): GPLESEAMVM[Gly776Ser]ILKQAFDVLV